The following is an entry in ClinVar:

NM_001253697.2(ERBIN):c.1789G>A (p.Glu597Lys)

Gene: ERBIN (erbb2 interacting protein; plus strand). Cytogenetic location: 5q12.3.
Variant type: single nucleotide variant.
Coding change: c.1789G>A on transcript NM_001253697.2 (MANE Select); coding-DNA position 1789, G replaced by A.
Protein change: p.Glu597Lys; replaces glutamic acid 597 with lysine.
Molecular consequence: missense variant.
Genome position (GRCh38, 1-based): chr5:66,048,667, G>A. VCF-style: chr5-66048667-G-A. GRCh37 (hg19) VCF-style: chr5-65344495-G-A.
Other names: c.1789G>A, p.Glu597Lys (NM_001006600.3, NM_001253698.2, NM_001253699.2 and 1 more transcripts); c.1777G>A, p.Glu593Lys (NM_001253701.2); short protein forms E593K, E597K.
Identifiers: ClinVar variation 2810995 (VCV002810995.3), dbSNP rs1253611814, ClinGen allele CA359863428.
Genomic context (GRCh38, chr5:66,048,667, plus strand): 5'-ATTTATTTATTTAAAGAAACAAAAATTTAATTTTTATCCCCCTCACCCCCTTTTCACTAG[G>A]AATCTGAAGAACTTTCTTCTGATGAAGAGATGAAAATGGCGGAGATGCGACCACCATTAA-3'
Protein context (NP_001240626.1, residues 587-607): HIVNHDDVFE[Glu597Lys]SEELSSDEEM

ClinVar aggregate classification (germline): Uncertain significance (1 of 4 stars; one submission).

Allele frequency attached by ClinVar (database versions not stated): gnomAD 0.00001.
gnomAD v4.1: 1 of 1,592,492 alleles (0.000063%); highest among the groups gnomAD compares: Non-Finnish European, 0.000086%; no homozygotes.

Submission:

Labcorp Genetics (formerly Invitae), Labcorp
Classification: Uncertain significance. Last evaluated: 2022-10-31. Review status: criteria provided, single submitter. Criteria: Invitae Variant Classification Sherloc (09022015). Collection method: clinical testing. Allele origin: germline.
Comment: In summary, the available evidence is currently insufficient to determine the role of this variant in disease. Therefore, it has been classified as a Variant of Uncertain Significance. Algorithms developed to predict the effect of missense changes on protein structure and function (SIFT, PolyPhen-2, Align-GVGD) all suggest that this variant is likely to be tolerated. This variant has not been reported in the literature in individuals affected with ERBIN-related conditions. This variant is present in population databases (no rsID available, gnomAD 0.007%). This sequence change replaces glutamic acid, which is acidic and polar, with lysine, which is basic and polar, at codon 597 of the ERBIN protein (p.Glu597Lys).